The following is an entry in ClinVar:

NM_001364905.1(LRBA):c.4224G>T (p.Gln1408His)

Gene: LRBA (LPS responsive beige-like anchor protein; minus strand). Cytogenetic location: 4q31.3.
Variant type: single nucleotide variant.
Coding change: c.4224G>T on transcript NM_001364905.1 (MANE Select); coding-DNA position 4224, G replaced by T.
Protein change: p.Gln1408His; replaces glutamine 1408 with histidine.
Molecular consequence: missense variant.
Genome position (GRCh38, 1-based): chr4:150,848,933, C>A on the plus strand (G>T on the coding strand, the complement: LRBA is on the minus strand). VCF-style: chr4-150848933-C-A. GRCh37 (hg19) VCF-style: chr4-151770085-C-A.
Other names: c.4224G>T, p.Gln1408His (NM_001199282.3, NM_001367550.1, NM_006726.5); short protein forms Q1408H.
Identifiers: ClinVar variation 1374175 (VCV001374175.6), dbSNP rs2126905604, ClinGen allele CA358453321.

ClinVar aggregate classification (germline): Uncertain significance (1 of 4 stars; one submission).

Conditions:
Combined immunodeficiency due to LRBA deficiency. Also called: Common variable immunodeficiency 8, with autoimmunity. Identifiers: Orphanet 445018, MedGen C3553512, MONDO:0013863, OMIM 614700.

Submission:

Labcorp Genetics (formerly Invitae), Labcorp
Classification: Uncertain significance for Combined immunodeficiency due to LRBA deficiency. Last evaluated: 2022-02-04. Review status: criteria provided, single submitter. Criteria: Invitae Variant Classification Sherloc (09022015). Collection method: clinical testing. Allele origin: germline.
Comment: In summary, the available evidence is currently insufficient to determine the role of this variant in disease. Therefore, it has been classified as a Variant of Uncertain Significance. Algorithms developed to predict the effect of missense changes on protein structure and function are either unavailable or do not agree on the potential impact of this missense change (SIFT: "Tolerated"; PolyPhen-2: "Probably Damaging"; Align-GVGD: "Class C0"). This variant has not been reported in the literature in individuals affected with LRBA-related conditions. This variant is not present in population databases (gnomAD no frequency). This sequence change replaces glutamine, which is neutral and polar, with histidine, which is basic and polar, at codon 1408 of the LRBA protein (p.Gln1408His).